The following is an entry in ClinVar:

NC_000013.11:g.48303737T>C

Gene: RB1 (RB transcriptional corepressor 1; plus strand). Cytogenetic location: 13q14.2.
Variant type: single nucleotide variant.
Genome position: GRCh38 VCF-style: chr13-48303737-T-C. GRCh37 (hg19) VCF-style: chr13-48877873-T-C.
Identifiers: ClinVar variation 4739934 (VCV004739934.1).
Genomic context (GRCh38, chr13:48,303,737, plus strand): 5'-GGCGGGCCCGGGAGCCTCGCGGACGTGACGCCGCGGGCGGAAGTGACGTTTTCCCGCGGT[T>C]GGACGCGGCGCTCAGTTGCCGGGCGGGGGAGGGCGCGTCCGGTTTTTCTCAGGGGACGTT-3'

ClinVar aggregate classification (germline): Uncertain significance (1 of 4 stars; one submission).

Conditions:
Retinoblastoma (RB1). Also called: RETINOBLASTOMA, SOMATIC. Identifiers: Orphanet 790, MedGen C0035335, MeSH D012175, MONDO:0008380, OMIM 180200, HP:0009919. Disease mechanism: loss of function. Inheritance: Both sporadic and heritable forms are tested..

Submission:

Labcorp Genetics (formerly Invitae), Labcorp
Classification: Uncertain significance for Retinoblastoma. Last evaluated: 2025-04-02. Review status: criteria provided, single submitter. Criteria: Invitae Variant Classification Sherloc (09022015). Collection method: clinical testing. Allele origin: germline.
Comment: This variant occurs in a non-coding region of the RB1 gene. It does not change the encoded amino acid sequence of the RB1 protein. This variant is not present in population databases (gnomAD no frequency). This variant has not been reported in the literature in individuals affected with RB1-related conditions. Experimental studies and prediction algorithms are not available or were not evaluated, and the functional significance of this variant is currently unknown. In summary, the available evidence is currently insufficient to determine the role of this variant in disease. Therefore, it has been classified as a Variant of Uncertain Significance.